The following is an entry in ClinVar:

NM_201253.3(CRB1):c.2174T>A (p.Val725Asp)

Gene: CRB1 (crumbs cell polarity complex component 1; plus strand). Cytogenetic location: 1q31.3.
Variant type: single nucleotide variant.
Coding change: c.2174T>A on transcript NM_201253.3 (MANE Select); coding-DNA position 2174, T replaced by A.
Protein change: p.Val725Asp; replaces valine 725 with aspartic acid.
Molecular consequence: missense variant. On other transcripts: non-coding transcript variant (2), intron variant (1).
Genome position (GRCh38, 1-based): chr1:197,427,499, T>A. VCF-style: chr1-197427499-T-A. GRCh37 (hg19) VCF-style: chr1-197396629-T-A.
Other names: c.1838T>A, p.Val613Asp (NM_001193640.2); c.1967T>A, p.Val656Asp (NM_001257965.2); c.2128+5543T>A (NM_001257966.2); short protein forms V725D, V613D, V656D.
Identifiers: ClinVar variation 2109207 (VCV002109207.4), dbSNP rs1664645800, ClinGen allele CA344036477.

ClinVar aggregate classification (germline): Uncertain significance (1 of 4 stars; one submission).

Conditions:
Leber congenital amaurosis 8 (LCA8). Identifiers: Orphanet 65, MedGen C3151202, MONDO:0013453, OMIM 613835.
Retinitis pigmentosa 12 (RP12). Also called: RP WITH OR WITHOUT PPRPE; RP WITH OR WITHOUT PRESERVED PARAARTERIOLE RETINAL PIGMENT EPITHELIUM; RETINITIS PIGMENTOSA WITH OR WITHOUT PARAARTERIOLAR PRESERVATION OF RETINAL PIGMENT EPITHELIUM. Identifiers: Orphanet 791, MedGen C1838647, MONDO:0010818, OMIM 600105.

Submission:

Labcorp Genetics (formerly Invitae), Labcorp
Classification: Uncertain significance for Leber congenital amaurosis 8; Retinitis pigmentosa 12. Last evaluated: 2022-03-11. Review status: criteria provided, single submitter. Criteria: Invitae Variant Classification Sherloc (09022015). Collection method: clinical testing. Allele origin: germline.
Comment: In summary, the available evidence is currently insufficient to determine the role of this variant in disease. Therefore, it has been classified as a Variant of Uncertain Significance. Advanced modeling of protein sequence and biophysical properties (such as structural, functional, and spatial information, amino acid conservation, physicochemical variation, residue mobility, and thermodynamic stability) performed at Invitae indicates that this missense variant is not expected to disrupt CRB1 protein function. This variant has not been reported in the literature in individuals affected with CRB1-related conditions. This variant is not present in population databases (gnomAD no frequency). This sequence change replaces valine, which is neutral and non-polar, with aspartic acid, which is acidic and polar, at codon 725 of the CRB1 protein (p.Val725Asp).